The following is an entry in ClinVar:

ClinVar aggregate classification (germline): Likely pathogenic (1 of 4 stars; one submission).

Conditions:
Muscular dystrophy-dystroglycanopathy (congenital with impaired intellectual development), type B, 14. Also called: Muscular dystrophy-dystroglycanopathy (congenital with intellectual disability), type B14; MUSCULAR DYSTROPHY, CONGENITAL, GMPPB-RELATED; Congenital muscular dystrophy-dystroglycanopathy with mental retardation, type B14. Identifiers: MedGen C3809221, MONDO:0014141, OMIM 615351.
Autosomal recessive limb-girdle muscular dystrophy type 2T. Also called: MUSCULAR DYSTROPHY-DYSTROGLYCANOPATHY, LIMB-GIRDLE, GMPPB-RELATED; MUSCULAR DYSTROPHY, LIMB-GIRDLE, TYPE 2T; Muscular dystrophy-dystroglycanopathy (limb-girdle), type c, 14; Limb-girdle muscular dystrophy-dystroglycanopathy, type C14. Identifiers: Orphanet 363623, MedGen C4518000, MONDO:0014142, OMIM 615352.
Muscular dystrophy-dystroglycanopathy (congenital with brain and eye anomalies), type A14. Also called: WALKER-WARBURG SYNDROME OR MUSCLE-EYE-BRAIN DISEASE, GMPPB-RELATED; Muscular dystrophy-dystroglycanopathy (congenital with brain and eye anomalies), type a, 14; Congenital Muscular Dystrophy-Dystroglycanopathy with Brain and Eye Anomalies Type A 14; Congenital muscular dystrophy-dystroglycanopathy with brain and eye anomalies, type A14. Identifiers: Orphanet 588, MedGen C3809216, MONDO:0014140, OMIM 615350.

Submission:

Labcorp Genetics (formerly Invitae), Labcorp
Classification: Likely pathogenic for Autosomal recessive limb-girdle muscular dystrophy type 2T; Muscular dystrophy-dystroglycanopathy (congenital with brain and eye anomalies), type A14; Muscular dystrophy-dystroglycanopathy (congenital with impaired intellectual development), type B, 14. Last evaluated: 2024-09-24. Review status: criteria provided, single submitter. Criteria: Invitae Variant Classification Sherloc (09022015). Collection method: clinical testing. Allele origin: germline.
Comment: This sequence change affects an acceptor splice site in intron 6 of the GMPPB gene. It is expected to disrupt RNA splicing. Variants that disrupt the donor or acceptor splice site typically lead to a loss of protein function (PMID: 16199547), and loss-of-function variants in GMPPB are known to be pathogenic (PMID: 23768512, 26310427). This variant is present in population databases (no rsID available, gnomAD no frequency). This variant has not been reported in the literature in individuals affected with GMPPB-related conditions. Algorithms developed to predict the effect of sequence changes on RNA splicing suggest that this variant may disrupt the consensus splice site. In summary, the currently available evidence indicates that the variant is pathogenic, but additional data are needed to prove that conclusively. Therefore, this variant has been classified as Likely Pathogenic.

Literature cited by the submitters: PubMed 16199547; PubMed 23768512; PubMed 26310427.

NM_021971.4(GMPPB):c.641-2A>G

Gene: GMPPB (GDP-mannose pyrophosphorylase B; minus strand). Cytogenetic location: 3p21.31.
Variant type: single nucleotide variant.
Coding change: c.641-2A>G on transcript NM_021971.4 (MANE Select); the canonical splice acceptor site of the intron before coding-DNA position 641, A replaced by G.
Molecular consequence: splice acceptor variant.
Genome position (GRCh38, 1-based): chr3:49,722,360, T>C on the plus strand (A>G on the coding strand, the complement: GMPPB is on the minus strand). VCF-style: chr3-49722360-T-C. GRCh37 (hg19) VCF-style: chr3-49759793-T-C.
Other names: c.641-2A>G (NM_013334.4).
Identifiers: ClinVar variation 3753384 (VCV003753384.2).
Genomic context (GRCh38, chr3:49,722,360, plus strand): 5'-CAGGAAGAGGCACATGCCAGTGAGGAAGTCCTTGGGCTGCCCAATGTCCATCCAGAAGCC[T>C]GTAGGGAGGGATGCATCAGGGGCCTCAGCCCAGCCACAGACCACCCCCACCCTGTGGCCT-3'